The following is an entry in ClinVar:

ClinVar aggregate classification (germline): Uncertain significance (1 of 4 stars; one submission).

Allele frequency attached by ClinVar (database versions not stated): TOPMed below 0.00001; gnomAD 0.00001.
gnomAD v4.1: 1 of 1,613,958 alleles (0.000062%); highest among the groups gnomAD compares: African/African-American, 0.0013%; no homozygotes.

Submission:

Labcorp Genetics (formerly Invitae), Labcorp
Classification: Uncertain significance. Last evaluated: 2022-04-09. Review status: criteria provided, single submitter. Criteria: Invitae Variant Classification Sherloc (09022015). Collection method: clinical testing. Allele origin: germline.
Comment: In summary, the available evidence is currently insufficient to determine the role of this variant in disease. Therefore, it has been classified as a Variant of Uncertain Significance. Algorithms developed to predict the effect of missense changes on protein structure and function are either unavailable or do not agree on the potential impact of this missense change (SIFT: "Deleterious"; PolyPhen-2: "Benign"; Align-GVGD: "Class C35"). This variant has not been reported in the literature in individuals affected with VCAN-related conditions. This variant is not present in population databases (gnomAD no frequency). This sequence change replaces asparagine, which is neutral and polar, with isoleucine, which is neutral and non-polar, at codon 1760 of the VCAN protein (p.Asn1760Ile).

NM_004385.5(VCAN):c.5279A>T (p.Asn1760Ile)

Genes: VCAN (versican; plus strand), VCAN-AS1 (VCAN antisense RNA 1; minus strand). Cytogenetic location: 5q14.3.
Variant type: single nucleotide variant.
Coding change: c.5279A>T on transcript NM_004385.5 (MANE Select); coding-DNA position 5279, A replaced by T.
Protein change: p.Asn1760Ile; replaces asparagine 1760 with isoleucine.
Molecular consequence: missense variant. On other transcripts: intron variant (2).
Genome position (GRCh38, 1-based): chr5:83,538,282, A>T. VCF-style: chr5-83538282-A-T. GRCh37 (hg19) VCF-style: chr5-82834101-A-T.
Other names: c.2318A>T, p.Asn773Ile (NM_001164097.2); c.4004-7255A>T (NM_001164098.2); c.1043-7255A>T (NM_001126336.3); short protein forms N773I, N1760I.
Identifiers: ClinVar variation 1386278 (VCV001386278.6), dbSNP rs1429867466, ClinGen allele CA360310066.